The following is an entry in ClinVar:

ClinVar aggregate classification (germline): Uncertain significance (1 of 4 stars; one submission).

Conditions:
Pierpont syndrome (PRPTS). Identifiers: Orphanet 487825, MedGen C1865644, MONDO:0011213, OMIM 602342.

Submission:

Labcorp Genetics (formerly Invitae), Labcorp
Classification: Uncertain significance for Pierpont syndrome. Last evaluated: 2023-02-11. Review status: criteria provided, single submitter. Criteria: Invitae Variant Classification Sherloc (09022015). Collection method: clinical testing. Allele origin: germline.
Comment: In summary, the available evidence is currently insufficient to determine the role of this variant in disease. Therefore, it has been classified as a Variant of Uncertain Significance. Algorithms developed to predict the effect of missense changes on protein structure and function (SIFT, PolyPhen-2, Align-GVGD) all suggest that this variant is likely to be tolerated. This variant has not been reported in the literature in individuals affected with TBL1XR1-related conditions. This variant is not present in population databases (gnomAD no frequency). This sequence change replaces histidine, which is basic and polar, with leucine, which is neutral and non-polar, at codon 145 of the TBL1XR1 protein (p.His145Leu).

NM_024665.7(TBL1XR1):c.434A>T (p.His145Leu)

Gene: TBL1XR1 (TBL1X/Y related 1; minus strand). Cytogenetic location: 3q26.32.
Variant type: single nucleotide variant.
Coding change: c.434A>T on transcript NM_024665.7 (MANE Select); coding-DNA position 434, A replaced by T.
Protein change: p.His145Leu; replaces histidine 145 with leucine.
Molecular consequence: missense variant.
Genome position (GRCh38, 1-based): chr3:177,050,604, T>A on the plus strand (A>T on the coding strand, the complement: TBL1XR1 is on the minus strand). VCF-style: chr3-177050604-T-A. GRCh37 (hg19) VCF-style: chr3-176768392-T-A.
Other names: c.434A>T, p.His145Leu (NM_001321193.3, NM_001321194.3, NM_001374327.1 and 2 more transcripts); c.173A>T, p.His58Leu (NM_001321195.3, NM_001374330.1); short protein forms H58L, H145L.
Identifiers: ClinVar variation 2896930 (VCV002896930.3), dbSNP rs2473725479, ClinGen allele CA355552999.